The following is an entry in ClinVar:

NM_000093.5(COL5A1):c.4122+97C>A

Gene: COL5A1 (collagen type V alpha 1 chain; plus strand). Cytogenetic location: 9q34.3.
Variant type: single nucleotide variant.
Coding change: c.4122+97C>A on transcript NM_000093.5 (MANE Select); 97 bases into the intron after coding-DNA position 4122, C replaced by A.
Molecular consequence: intron variant.
Genome position (GRCh38, 1-based): chr9:134,816,085, C>A. VCF-style: chr9-134816085-C-A. GRCh37 (hg19) VCF-style: chr9-137707931-C-A.
Other names: c.4122+97C>A (NM_001278074.1).
Identifiers: ClinVar variation 675603 (VCV000675603.2), dbSNP rs79991766, ClinGen allele CA201091295.

ClinVar aggregate classification (germline): Likely benign. Review status: criteria provided, multiple submitters, no conflicts (2 of 4 stars). 2 submissions from 2 submitters: Likely benign (2). Last evaluated 2018-06-14.

Allele frequency attached by ClinVar (database versions not stated): 1000 Genomes Project 0.00739; gnomAD 0.00853 and 0.00913; 1000 Genomes Project 30x 0.00859; TOPMed 0.00958.
gnomAD v4.1: 2,464 of 1,171,174 alleles (0.21%); highest among the groups gnomAD compares: African/African-American, 2.8%; 33 homozygotes.

Submissions (2):

GeneDx
Classification: Likely benign. Last evaluated: 2018-06-14. Review status: criteria provided, single submitter. Criteria: GeneDx Variant Classification (06012015). Collection method: clinical testing. Allele origin: germline. Affected: yes.
Comment: This variant is considered likely benign or benign based on one or more of the following criteria: it is a conservative change, it occurs at a poorly conserved position in the protein, it is predicted to be benign by multiple in silico algorithms, and/or has population frequency not consistent with disease.

Breakthrough Genomics
Classification: Likely benign. Review status: criteria provided, single submitter. Criteria: ACMG Guidelines, 2015. Collection method: not provided. Allele origin: germline. Inheritance: Autosomal dominant inheritance. Affected: yes.